The following is an entry in ClinVar:

NM_001012758.3(NUDT17):c.897del (p.Cys300fs)

Gene: NUDT17 (nudix hydrolase 17; plus strand). Cytogenetic location: 1q21.1.
Variant type: Deletion.
Coding change: c.897del on transcript NM_001012758.3 (MANE Select); coding-DNA position 897, one base deleted (G; older notation c.897delG).
Protein change: p.Cys300fs; shifts the reading frame from cysteine 300.
Molecular consequence: frameshift variant.
Genome position (GRCh38, 1-based): chr1:145,848,389, G deleted. VCF-style (leftmost placement, unchanged base first): chr1-145848388-CG-C. GRCh37 (hg19) VCF-style: chr1-145586678-AC-A.
Other names: short protein forms C300fs.
Identifiers: ClinVar variation 4980212 (VCV004980212.1).

ClinVar aggregate classification (germline): Likely benign (1 of 4 stars; one submission).

Conditions:
NUDT17-related condition.

Submission:

PreventionGenetics, part of Exact Sciences
Classification: Likely benign for NUDT17-related condition. Last evaluated: 2025-09-08. Review status: criteria provided, single submitter. Criteria: ACMG Guidelines, 2015. Collection method: clinical testing. Allele origin: germline.
Comment: This variant is classified as likely benign based on ACMG/AMP sequence variant interpretation guidelines (Richards et al. 2015 PMID: 25741868, with internal and published modifications).